The following is an entry in ClinVar:

ClinVar aggregate classification (germline): Uncertain significance (1 of 4 stars; one submission).

Conditions:
Infantile GM1 gangliosidosis. Also called: Gangliosidosis, Generalized GM1, Type 1; GM1 gangliosidosis type 1; GM1-gangliosidosis, type I; Gangliosidosis, generalized GM1, infantile form; GLB1 deficiency. Identifiers: Orphanet 354, Orphanet 79255, MedGen C0268271, MONDO:0009260, OMIM 230500.
Mucopolysaccharidosis, MPS-IV-B (MPS4B). Also called: MORQUIO SYNDROME B; Mucopolysaccharidosis type IVB (Morquio); MPS IVB; Mucopolysaccharidosis type 4B; Mucopolysaccharidosis type IV B; Mucopolysaccharidosis Type IVB (Morquio B Disease). Identifiers: Orphanet 309310, Orphanet 582, MedGen C0086652, MONDO:0009660, OMIM 253010.
GM1 gangliosidosis type 3. Also called: GM1-GANGLIOSIDOSIS, TYPE III; Gangliosidosis, Generalized GM1, Type 3; GANGLIOSIDOSIS, GENERALIZED GM1, ADULT TYPE; GANGLIOSIDOSIS, GENERALIZED GM1, CHRONIC TYPE; GANGLIOSIDOSIS, GENERALIZED GM1, TYPE III; Beta-galactosidase deficiency. Identifiers: Orphanet 79257, MedGen C0268273, MONDO:0009262, OMIM 230650.
GM1 gangliosidosis type 2. Also called: GM1-GANGLIOSIDOSIS, TYPE II; Gangliosidosis, Generalized GM1, Type 2; GANGLIOSIDOSIS, GENERALIZED GM1, JUVENILE TYPE; GANGLIOSIDOSIS, GENERALIZED GM1, TYPE II; Juvenile GM>1< gangliosidosis. Identifiers: Orphanet 354, Orphanet 79256, MedGen C0268272, MONDO:0009261, OMIM 230600.

Submission:

Juno Genomics, Hangzhou Juno Genomics, Inc
Classification: Uncertain significance for Infantile GM1 gangliosidosis; GM1 gangliosidosis type 2; GM1 gangliosidosis type 3; Mucopolysaccharidosis, MPS-IV-B. Review status: criteria provided, single submitter. Criteria: ACMG Guidelines, 2015. Collection method: clinical testing. Allele origin: germline.
Comment: Null variant in a gene where loss of function (LOF) is a known mechanism of disease.;Absent from controls (or at extremely low frequency if recessive) in Genome Aggregation Database.

NM_000404.4(GLB1):c.1347+1G>C

Gene: GLB1 (galactosidase beta 1; minus strand). Cytogenetic location: 3p22.3.
Variant type: single nucleotide variant.
Coding change: c.1347+1G>C on transcript NM_000404.4 (MANE Select); the canonical splice donor site of the intron after coding-DNA position 1347, G replaced by C.
Molecular consequence: splice donor variant.
Genome position (GRCh38, 1-based): chr3:33,018,447, C>G on the plus strand (G>C on the coding strand, the complement: GLB1 is on the minus strand). VCF-style: chr3-33018447-C-G. GRCh37 (hg19) VCF-style: chr3-33059939-C-G.
Other names: c.1347+1G>C (NM_001393580.1); c.954+1G>C (NM_001135602.3); c.1491+1G>C (NM_001317040.2); c.1257+1G>C (NM_001079811.3).
Identifiers: ClinVar variation 5006608 (VCV005006608.2).